The following is an entry in ClinVar:

NM_004385.5(VCAN):c.7894A>G (p.Thr2632Ala)

Genes: VCAN (versican; plus strand), VCAN-AS1 (VCAN antisense RNA 1; minus strand). Cytogenetic location: 5q14.3.
Variant type: single nucleotide variant.
Coding change: c.7894A>G on transcript NM_004385.5 (MANE Select); coding-DNA position 7894, A replaced by G.
Protein change: p.Thr2632Ala; replaces threonine 2632 with alanine.
Molecular consequence: missense variant. On other transcripts: intron variant (2).
Genome position (GRCh38, 1-based): chr5:83,540,897, A>G. VCF-style: chr5-83540897-A-G. GRCh37 (hg19) VCF-style: chr5-82836716-A-G.
Other names: c.4933A>G, p.Thr1645Ala (NM_001164097.2); c.4004-4640A>G (NM_001164098.2); c.1043-4640A>G (NM_001126336.3); short protein forms T1645A, T2632A.
Identifiers: ClinVar variation 3001612 (VCV003001612.3), dbSNP rs2479120979, ClinGen allele CA360315748.

ClinVar aggregate classification (germline): Uncertain significance (1 of 4 stars; one submission).

Submission:

Labcorp Genetics (formerly Invitae), Labcorp
Classification: Uncertain significance. Last evaluated: 2023-11-28. Review status: criteria provided, single submitter. Criteria: Invitae Variant Classification Sherloc (09022015). Collection method: clinical testing. Allele origin: germline.
Comment: This sequence change replaces threonine, which is neutral and polar, with alanine, which is neutral and non-polar, at codon 2632 of the VCAN protein (p.Thr2632Ala). This variant is not present in population databases (gnomAD no frequency). This variant has not been reported in the literature in individuals affected with VCAN-related conditions. Algorithms developed to predict the effect of missense changes on protein structure and function output the following: SIFT: "Not Available"; PolyPhen-2: "Benign"; Align-GVGD: "Not Available". The alanine amino acid residue is found in multiple mammalian species, which suggests that this missense change does not adversely affect protein function. In summary, the available evidence is currently insufficient to determine the role of this variant in disease. Therefore, it has been classified as a Variant of Uncertain Significance.